The following is an entry in ClinVar:

NM_032043.3(BRIP1):c.2671G>A (p.Val891Ile)

Gene: BRIP1 (BRCA1 interacting DNA helicase 1; minus strand). Cytogenetic location: 17q23.2.
Variant type: single nucleotide variant.
Coding change: c.2671G>A on transcript NM_032043.3 (MANE Select); coding-DNA position 2671, G replaced by A.
Protein change: p.Val891Ile; replaces valine 891 with isoleucine.
Molecular consequence: missense variant.
Genome position (GRCh38, 1-based): chr17:61,686,070, C>T on the plus strand (G>A on the coding strand, the complement: BRIP1 is on the minus strand). VCF-style: chr17-61686070-C-T. GRCh37 (hg19) VCF-style: chr17-59763431-C-T.
Other names: short protein forms V891I.
Identifiers: ClinVar variation 852911 (VCV000852911.12), dbSNP rs754224663, ClinGen allele CA8690467.

ClinVar aggregate classification (germline): Uncertain significance. Review status: criteria provided, multiple submitters, no conflicts (2 of 4 stars). 3 submissions from 3 submitters: Uncertain significance (3). Last evaluated 2025-08-25.

Conditions:
Hereditary cancer-predisposing syndrome. Also called: Neoplastic Syndromes, Hereditary; Hereditary Cancer Syndrome; Hereditary neoplastic syndrome; Tumor predisposition. Identifiers: Orphanet 140162, MedGen C0027672, MeSH D009386, MONDO:0015356.
Familial cancer of breast. Also called: hereditary breast carcinoma; BREAST CANCER, FAMILIAL; Hereditary breast cancer. Identifiers: Orphanet 227535, MedGen C0346153, MONDO:0016419, OMIM 114480. Disease mechanism: loss of function.
Fanconi anemia complementation group J. Also called: BRIP1-Related Fanconi Anemia. Identifiers: Orphanet 84, MedGen C1836860, MONDO:0012187, OMIM 609054.

Allele frequency attached by ClinVar (database versions not stated): ExAC 0.00001.

Submissions (3):

Ambry Genetics
Classification: Uncertain significance for Hereditary cancer-predisposing syndrome. Last evaluated: 2025-08-25. Review status: criteria provided, single submitter. Criteria: Ambry Variant Classification Scheme 2023. Collection method: clinical testing. Allele origin: germline.
Comment: The p.V891I variant (also known as c.2671G>A), located in coding exon 18 of the BRIP1 gene, results from a G to A substitution at nucleotide position 2671. The valine at codon 891 is replaced by isoleucine, an amino acid with highly similar properties. This amino acid position is conserved. In addition, this alteration is predicted to be tolerated by in silico analysis. Based on the available evidence, the clinical significance of this variant remains unclear.

Color Diagnostics, LLC DBA Color Health
Classification: Uncertain significance for Hereditary cancer-predisposing syndrome. Last evaluated: 2024-03-06. Review status: criteria provided, single submitter. Criteria: ACMG Guidelines, 2015. Collection method: clinical testing. Allele origin: germline.
Comment: This missense variant replaces valine with isoleucine at codon 891 of the BRIP1 protein. Computational prediction suggests that this variant may not impact protein structure and function (internally defined REVEL score threshold <= 0.5, PMID: 27666373). To our knowledge, functional studies have not been reported for this variant. This variant has not been reported in individuals affected with hereditary cancer in the literature. This variant has been identified in 1/251244 chromosomes in the general population by the Genome Aggregation Database (gnomAD). The available evidence is insufficient to determine the role of this variant in disease conclusively. Therefore, this variant is classified as a Variant of Uncertain Significance.

Labcorp Genetics (formerly Invitae), Labcorp
Classification: Uncertain significance for Familial cancer of breast; Fanconi anemia complementation group J. Last evaluated: 2021-08-28. Review status: criteria provided, single submitter. Criteria: Invitae Variant Classification Sherloc (09022015). Collection method: clinical testing. Allele origin: germline.
Comment: This sequence change replaces valine with isoleucine at codon 891 of the BRIP1 protein (p.Val891Ile). The valine residue is moderately conserved and there is a small physicochemical difference between valine and isoleucine. This variant is present in population databases (rs754224663, ExAC 0.01%). This variant has not been reported in the literature in individuals affected with BRIP1-related conditions. Algorithms developed to predict the effect of missense changes on protein structure and function output the following: SIFT: "Tolerated"; PolyPhen-2: "Benign"; Align-GVGD: "Class C0". The isoleucine amino acid residue is found in multiple mammalian species, which suggests that this missense change does not adversely affect protein function. In summary, the available evidence is currently insufficient to determine the role of this variant in disease. Therefore, it has been classified as a Variant of Uncertain Significance.